The following is an entry in ClinVar:

ClinVar aggregate classification (germline): Uncertain significance. Review status: criteria provided, multiple submitters, no conflicts (2 of 4 stars). 3 submissions from 3 submitters: Uncertain significance (3). Last evaluated 2025-08-17.

Conditions:
Cardiovascular phenotype. Identifiers: MedGen CN230736.
Catecholaminergic polymorphic ventricular tachycardia 1. Also called: VENTRICULAR TACHYCARDIA, CATECHOLAMINERGIC POLYMORPHIC, 1, WITH OR WITHOUT ATRIAL DYSFUNCTION AND/OR DILATED CARDIOMYOPATHY; RYR2-Related Catecholaminergic Polymorphic Ventricular Tachycardia; VENTRICULAR TACHYCARDIA, STRESS-INDUCED POLYMORPHIC 1. Identifiers: Orphanet 3286, MedGen C1631597, MONDO:0011484, OMIM 604772.
Cardiomyopathy (CMYO). Also called: Cardiomyopathies. Identifiers: Orphanet 167848, MedGen C0878544, MONDO:0004994, HP:0001638. Inheritance: Various modes of inheritance.

Allele frequency attached by ClinVar (database versions not stated): gnomAD exomes below 0.00001; TOPMed below 0.00001.
gnomAD v4.1: 2 of 1,613,936 alleles (0.00012%); highest among the groups gnomAD compares: East Asian, 0.0045%; no homozygotes.

Submissions (3):

Color Diagnostics, LLC DBA Color Health
Classification: Uncertain significance for Cardiomyopathy. Last evaluated: 2025-08-17. Review status: criteria provided, single submitter. Criteria: ACMG Guidelines, 2015. Collection method: clinical testing. Allele origin: germline.
Comment: This missense variant replaces alanine with valine at codon 1098 of the RYR2 protein. Computational prediction suggests that this variant may not impact protein structure and function. To our knowledge, functional studies have not been reported for this variant. This variant has not been reported in individuals affected with RYR2-related disorders in the literature. This variant has been identified in 1/249084 chromosomes in the general population by the Genome Aggregation Database (gnomAD). The available evidence is insufficient to determine the role of this variant in disease conclusively. Therefore, this variant is classified as a Variant of Uncertain Significance.

Labcorp Genetics (formerly Invitae), Labcorp
Classification: Uncertain significance for Catecholaminergic polymorphic ventricular tachycardia 1. Last evaluated: 2024-11-25. Review status: criteria provided, single submitter. Criteria: Invitae Variant Classification Sherloc (09022015). Collection method: clinical testing. Allele origin: germline.
Comment: This sequence change replaces alanine, which is neutral and non-polar, with valine, which is neutral and non-polar, at codon 1098 of the RYR2 protein (p.Ala1098Val). This variant is present in population databases (no rsID available, gnomAD 0.006%). This variant has not been reported in the literature in individuals affected with RYR2-related conditions. ClinVar contains an entry for this variant (Variation ID: 834608). Invitae Evidence Modeling of protein sequence and biophysical properties (such as structural, functional, and spatial information, amino acid conservation, physicochemical variation, residue mobility, and thermodynamic stability) indicates that this missense variant is not expected to disrupt RYR2 protein function with a negative predictive value of 95%. In summary, the available evidence is currently insufficient to determine the role of this variant in disease. Therefore, it has been classified as a Variant of Uncertain Significance.

Ambry Genetics
Classification: Uncertain significance for Cardiovascular phenotype. Last evaluated: 2021-03-22. Review status: criteria provided, single submitter. Criteria: Ambry Variant Classification Scheme 2023. Collection method: clinical testing. Allele origin: germline.
Comment: The p.A1098V variant (also known as c.3293C>T), located in coding exon 28 of the RYR2 gene, results from a C to T substitution at nucleotide position 3293. The alanine at codon 1098 is replaced by valine, an amino acid with similar properties. This amino acid position is not well conserved in available vertebrate species. In addition, this alteration is predicted to be tolerated by in silico analysis. Since supporting evidence is limited at this time, the clinical significance of this alteration remains unclear.

NM_001035.3(RYR2):c.3293C>T (p.Ala1098Val)

Gene: RYR2 (ryanodine receptor 2; plus strand). Cytogenetic location: 1q43.
Variant type: single nucleotide variant.
Coding change: c.3293C>T on transcript NM_001035.3 (MANE Select); coding-DNA position 3293, C replaced by T.
Protein change: p.Ala1098Val; replaces alanine 1098 with valine.
Molecular consequence: missense variant.
Genome position (GRCh38, 1-based): chr1:237,566,645, C>T. VCF-style: chr1-237566645-C-T. GRCh37 (hg19) VCF-style: chr1-237729945-C-T.
Other names: short protein forms A1098V.
Identifiers: ClinVar variation 834608 (VCV000834608.13), dbSNP rs1318943750, ClinGen allele CA345398175.